The following is an entry in ClinVar:

NM_020433.5(JPH2):c.434A>G (p.Gln145Arg)

Gene: JPH2 (junctophilin 2; minus strand). Cytogenetic location: 20q13.12.
Variant type: single nucleotide variant.
Coding change: c.434A>G on transcript NM_020433.5 (MANE Select); coding-DNA position 434, A replaced by G.
Protein change: p.Gln145Arg; replaces glutamine 145 with arginine.
Molecular consequence: missense variant.
Genome position (GRCh38, 1-based): chr20:44,160,353, T>C on the plus strand (A>G on the coding strand, the complement: JPH2 is on the minus strand). VCF-style: chr20-44160353-T-C. GRCh37 (hg19) VCF-style: chr20-42788993-T-C.
Other names: short protein forms Q145R.
Identifiers: ClinVar variation 3531475 (VCV003531475.1).

ClinVar aggregate classification (germline): Uncertain significance (1 of 4 stars; one submission).

Conditions:
Cardiovascular phenotype. Identifiers: MedGen CN230736.

Submission:

Ambry Genetics
Classification: Uncertain significance for Cardiovascular phenotype. Last evaluated: 2024-07-15. Review status: criteria provided, single submitter. Criteria: Ambry Variant Classification Scheme 2023. Collection method: clinical testing. Allele origin: germline.
Comment: The p.Q145R variant (also known as c.434A>G), located in coding exon 2 of the JPH2 gene, results from an A to G substitution at nucleotide position 434. The glutamine at codon 145 is replaced by arginine, an amino acid with highly similar properties. This amino acid position is highly conserved in available vertebrate species. In addition, this alteration is predicted to be tolerated by in silico analysis. Based on the available evidence, the clinical significance of this variant remains unclear.